The following is an entry in ClinVar:

ClinVar aggregate classification (germline): Uncertain significance (1 of 4 stars; one submission).

Allele frequency attached by ClinVar (database versions not stated): gnomAD 0.00002; ExAC 0.00015; 1000 Genomes Project 0.00040; 1000 Genomes Project 30x 0.00047.

Submission:

Labcorp Genetics (formerly Invitae), Labcorp
Classification: Uncertain significance. Last evaluated: 2025-09-10. Review status: criteria provided, single submitter. Criteria: Invitae Variant Classification Sherloc (09022015). Collection method: clinical testing. Allele origin: germline.
Comment: This sequence change replaces methionine, which is neutral and non-polar, with threonine, which is neutral and polar, at codon 113 of the TGFB1 protein (p.Met113Thr). This variant is present in population databases (rs562072561, gnomAD 0.1%). This variant has not been reported in the literature in individuals affected with TGFB1-related conditions. ClinVar contains an entry for this variant (Variation ID: 1981032). Invitae Evidence Modeling of protein sequence and biophysical properties (such as structural, functional, and spatial information, amino acid conservation, physicochemical variation, residue mobility, and thermodynamic stability) indicates that this missense variant is not expected to disrupt TGFB1 protein function with a negative predictive value of 80%. In summary, the available evidence is currently insufficient to determine the role of this variant in disease. Therefore, it has been classified as a Variant of Uncertain Significance.

NM_000660.7(TGFB1):c.338T>C (p.Met113Thr)

Genes: TGFB1 (transforming growth factor beta 1; minus strand), LOC130064510 (ATAC-STARR-seq lymphoblastoid silent region 10661; plus strand). Cytogenetic location: 19q13.2.
Variant type: single nucleotide variant.
Coding change: c.338T>C on transcript NM_000660.7 (MANE Select); coding-DNA position 338, T replaced by C.
Protein change: p.Met113Thr; replaces methionine 113 with threonine.
Molecular consequence: missense variant.
Genome position (GRCh38, 1-based): chr19:41,352,707, A>G on the plus strand (T>C on the coding strand, the complement: TGFB1 is on the minus strand). VCF-style: chr19-41352707-A-G. GRCh37 (hg19) VCF-style: chr19-41858612-A-G.
Other names: short protein forms M113T.
Identifiers: ClinVar variation 1981032 (VCV001981032.4), dbSNP rs562072561, ClinGen allele CA9460141.